The following is an entry in ClinVar:

NM_001018005.2(TPM1):c.563+348G>T

Gene: TPM1 (tropomyosin 1; plus strand). Cytogenetic location: 15q22.2.
Variant type: single nucleotide variant.
Coding change: c.563+348G>T on transcript NM_001018005.2 (MANE Select); 348 bases into the intron after coding-DNA position 563, G replaced by T.
Molecular consequence: intron variant.
Genome position (GRCh38, 1-based): chr15:63,061,287, G>T. VCF-style: chr15-63061287-G-T. GRCh37 (hg19) VCF-style: chr15-63353486-G-T.
Other names: c.689+348G>T (NM_001365778.1); c.639+14G>T (NM_001018020.2, NM_001018006.2, NM_000366.6); c.563+348G>T (NM_001018007.2, NM_001365776.1, NM_001018004.2 and 3 more transcripts); c.531+14G>T (NM_001330351.2, NM_001330344.2, NM_001365781.2); c.455+348G>T (NM_001018008.2, NM_001301289.2, NM_001365782.1 and 2 more transcripts).
Identifiers: ClinVar variation 43431 (VCV000043431.5), dbSNP rs397516381, ClinGen allele CA018180.

ClinVar aggregate classification (germline): Likely benign (1 of 4 stars; one submission).

gnomAD v4.1: 7 of 1,613,968 alleles (0.00043%); highest among the groups gnomAD compares: South Asian, 0.0066%; no homozygotes.

Submission:

Laboratory for Molecular Medicine, Mass General Brigham Personalized Medicine
Classification: Likely benign. Last evaluated: 2012-01-12. Review status: criteria provided, single submitter. Criteria: LMM Criteria. Collection method: clinical testing. Allele origin: germline. Observed: 2 variant alleles.
Comment: 639+14G>T in intron 6A of TPM1: This variant is not expected to have clinical si gnificance because it is not located within the splice consensus sequence. 639+ 14G>T in intron 6A of TPM1 (allele frequency = n/a)